The following is an entry in ClinVar:

NM_000228.3(LAMB3):c.3024del (p.Arg1009fs)

Gene: LAMB3 (laminin subunit beta 3; minus strand). Cytogenetic location: 1q32.2.
Variant type: Deletion.
Coding change: c.3024del on transcript NM_000228.3 (MANE Select); coding-DNA position 3024, one base deleted (T; older notation c.3024delT).
Protein change: p.Arg1009fs; shifts the reading frame from arginine 1009.
Molecular consequence: frameshift variant.
Genome position (GRCh38, 1-based): chr1:209,617,934, A deleted on the plus strand (T on the coding strand, the reverse complement: LAMB3 is on the minus strand); the first of 2 consecutive A bases (chr1:209,617,934-209,617,935); deleting either gives the same sequence. VCF-style (leftmost placement, unchanged base first): chr1-209617933-GA-G. GRCh37 (hg19) VCF-style: chr1-209791278-GA-G.
Other names: c.3024del, p.Arg1009fs (NM_001017402.2, NM_001127641.1); short protein forms R1009fs.
Identifiers: ClinVar variation 370321 (VCV000370321.12), dbSNP rs777292177, ClinGen allele CA1375011.
Genomic context (GRCh38, chr1:209,617,933, plus strand): 5'-CCAAATATGGGCGGAGGAAGCCATAATGCCTCACCTCAGCAACCCTGTCCTGGATAAGCC[GA>G]AGGGAGCGGCTGGTGCCTTGCATGGTGTCCTGAGCTTCCTGCAGTGCCACTGTCCCCTGC-3'

ClinVar aggregate classification (germline): Pathogenic. Review status: criteria provided, single submitter (1 of 4 stars). 2 submissions from 2 submitters: Pathogenic (1). 1 of the submissions does not count toward it. Last evaluated 2020-03-17.

Conditions:
Junctional epidermolysis bullosa gravis of Herlitz. Also called: Epidermolysis Bullosa Letalis; Herlitz-type junctional epidermolysis bullosa; EPIDERMOLYSIS BULLOSA, JUNCTIONAL 1B, SEVERE; EPIDERMOLYSIS BULLOSA JUNCTIONALIS, HERLITZ TYPE; EPIDERMOLYSIS BULLOSA, JUNCTIONAL, HERLITZ-PEARSON TYPE; JEB-HERLITZ TYPE. Identifiers: Orphanet 79404, MedGen C0079683, MONDO:0009182, OMIM 226700.

Submissions (2):

Labcorp Genetics (formerly Invitae), Labcorp
Classification: Pathogenic. Last evaluated: 2020-03-17. Review status: criteria provided, single submitter. Criteria: Invitae Variant Classification Sherloc (09022015). Collection method: clinical testing. Allele origin: germline.
Comment: For these reasons, this variant has been classified as Pathogenic. Loss-of-function variants in LAMB3 are known to be pathogenic (PMID: 11023379, 16473856). This variant has been observed in individual(s) with epidermolysis bullosa (PMID: 11023379). ClinVar contains an entry for this variant (Variation ID: 370321). This variant is present in population databases (rs777292177, ExAC 0.03%). This sequence change creates a premature translational stop signal (p.Arg1009Glyfs*21) in the LAMB3 gene. It is expected to result in an absent or disrupted protein product.

Counsyl
Classification: Likely pathogenic for Junctional epidermolysis bullosa gravis of Herlitz. Last evaluated: 2016-01-15. Review status: no assertion criteria provided. Collection method: clinical testing. Allele origin: unknown. Not counted in ClinVar's aggregate classification.

Literature cited by the submitters: PubMed 11023379 (cited by Labcorp Genetics (formerly Invitae), Labcorp and Counsyl); PubMed 16473856 (cited by Labcorp Genetics (formerly Invitae), Labcorp).